The following is an entry in ClinVar:

NM_014112.5(TRPS1):c.2343_2344del (p.Lys782fs)

Gene: TRPS1 (transcriptional repressor GATA binding 1; minus strand). Cytogenetic location: 8q23.3.
Variant type: Microsatellite.
Coding change: c.2343_2344del on transcript NM_014112.5 (MANE Select); coding-DNA positions 2343 to 2344, 2 bases deleted (GA; older notation c.2343_2344delGA).
Protein change: p.Lys782fs; shifts the reading frame from lysine 782.
Molecular consequence: frameshift variant.
Genome position (GRCh38, 1-based): chr8:115,587,357-115,587,358, TC deleted on the plus strand (GA on the coding strand, the reverse complement: TRPS1 is on the minus strand); deleting any 2 consecutive bases within chr8:115,587,357-115,587,365 gives the same sequence; the c. name uses the placement nearest the transcript's 3' end. VCF-style (leftmost placement, unchanged base first): chr8-115587356-TTC-T. GRCh37 (hg19) VCF-style: chr8-116599583-TTC-T.
Other names: c.2316_2317del, p.Lys773fs (NM_001282902.3); c.2322_2323del, p.Lys775fs (NM_001282903.3); c.2304_2305del, p.Lys769fs (NM_001330599.2); c.2343_2344del (NM_014112.4); short protein forms K769fs, K773fs, K775fs, K782fs.
Identifiers: ClinVar variation 659289 (VCV000659289.12), dbSNP rs1586431452, ClinGen allele CA645560233.
Genomic context (GRCh38, chr8:115,587,356, plus strand): 5'-AGGTCATCACTGGAACTCTCGGTCCAAACTTTCTCTTTGAGCCCGTCCTTCTCTTCCAGC[TTC>T]TCTCTCTTCACCACACTCTCAGAAACTGGCTCTCCCATTTTAGAGTCTGGAGTTAGCAGA-3'

ClinVar aggregate classification (germline): Pathogenic. Review status: criteria provided, multiple submitters, no conflicts (2 of 4 stars). 2 submissions from 2 submitters: Pathogenic (2). Last evaluated 2025-09-20.

Conditions:
Trichorhinophalangeal syndrome, type III (TRPS3). Also called: SUGIO-KAJII SYNDROME. Identifiers: Orphanet 77258, MedGen C1860823, OMIM 190351, MONDO:0008597.
Trichorhinophalangeal dysplasia type I (TRPS1). Also called: TRPS I; TRICHORHINOPHALANGEAL SYNDROME, TYPE I. Identifiers: Orphanet 77258, MedGen C0432233, MONDO:0008596, OMIM 190350.

Submissions (2):

GeneDx
Classification: Pathogenic. Last evaluated: 2025-09-20. Review status: criteria provided, single submitter. Criteria: GeneDx Variant Classification Process June 2021. Collection method: clinical testing. Allele origin: germline. Affected: yes.
Comment: Frameshift variant predicted to result in protein truncation or nonsense mediated decay in a gene for which loss of function is a known mechanism of disease; Not observed at significant frequency in large population cohorts (gnomAD); This variant is associated with the following publications: (PMID: 17689056)

Labcorp Genetics (formerly Invitae), Labcorp
Classification: Pathogenic for Trichorhinophalangeal syndrome, type III; Trichorhinophalangeal dysplasia type I. Last evaluated: 2019-04-08. Review status: criteria provided, single submitter. Criteria: Invitae Variant Classification Sherloc (09022015). Collection method: clinical testing. Allele origin: germline.
Comment: This variant is not present in population databases (ExAC no frequency). For these reasons, this variant has been classified as Pathogenic. Loss-of-function variants in TRPS1 are known to be pathogenic (PMID: 11112658). This variant has been observed in an individual with trichorhinophalangeal syndrome, type 1 (PMID: 17689056). This variant has also been reported as c.2304_2305delAG. This sequence change creates a premature translational stop signal (p.Lys782Alafs*18) in the TRPS1 gene. It is expected to result in an absent or disrupted protein product.

Literature cited by the submitters: PubMed 11112658 (cited by Labcorp Genetics (formerly Invitae), Labcorp); PubMed 17689056 (cited by Labcorp Genetics (formerly Invitae), Labcorp).